The following is an entry in ClinVar:

NM_001267550.2(TTN):c.44736T>A (p.His14912Gln)

Gene: TTN (titin; minus strand). Cytogenetic location: 2q31.2.
Variant type: single nucleotide variant.
Coding change: c.44736T>A on transcript NM_001267550.2 (MANE Select); coding-DNA position 44736, T replaced by A.
Protein change: p.His14912Gln; replaces histidine 14912 with glutamine.
Molecular consequence: missense variant.
Genome position (GRCh38, 1-based): chr2:178,624,544, A>T on the plus strand (T>A on the coding strand, the complement: TTN is on the minus strand). VCF-style: chr2-178624544-A-T. GRCh37 (hg19) VCF-style: chr2-179489271-A-T.
Other names: c.39813T>A, p.His13271Gln (NM_001256850.1); c.17541T>A, p.His5847Gln (NM_003319.4); c.37032T>A, p.His12344Gln (NM_133378.4); c.17916T>A, p.His5972Gln (NM_133432.3); c.18117T>A, p.His6039Gln (NM_133437.4); c.44736T>A (NM_001267550.1); short protein forms H14912Q, H5847Q, H6039Q, H12344Q, H13271Q, H5972Q.
Identifiers: ClinVar variation 535271 (VCV000535271.11), dbSNP rs762830792, ClinGen allele CA349640481.

ClinVar aggregate classification (germline): Uncertain significance. Review status: criteria provided, multiple submitters, no conflicts (2 of 4 stars). 6 submissions from 6 submitters: Uncertain significance (6). Last evaluated 2026-04-09.

Conditions:
Cardiovascular phenotype. Identifiers: MedGen CN230736.
Dilated cardiomyopathy 1G (CMD1G). Identifiers: Orphanet 154, MedGen C1858763, MONDO:0011400, OMIM 604145.
Autosomal recessive limb-girdle muscular dystrophy type 2J (LGMDR10). Also called: MUSCULAR DYSTROPHY, LIMB-GIRDLE, AUTOSOMAL RECESSIVE 10; Limb-girdle muscular dystrophy, type 2J. Identifiers: Orphanet 140922, MedGen C1837342, MONDO:0012127, OMIM 608807.
TTN-related disorder. Also called: TTN-related condition; TTN-related disease; TTN-related disorders.

Allele frequency attached by ClinVar (database versions not stated): TOPMed below 0.00001.
gnomAD v4.1: 3 of 1,612,830 alleles (0.00019%); highest among the groups gnomAD compares: Admixed American, 0.005%; no homozygotes.

Submissions (6):

PreventionGenetics, part of Exact Sciences
Classification: Uncertain significance for TTN-related condition. Last evaluated: 2026-04-09. Review status: criteria provided, single submitter. Criteria: ACMG Guidelines, 2015. Collection method: clinical testing. Allele origin: germline.
Comment: The TTN c.44736T>A variant is predicted to result in the amino acid substitution p.His14912Gln. To our knowledge, this variant has not been reported in the literature. This variant is reported in 0.0058% of alleles in individuals of Latino descent in gnomAD. At this time, the clinical significance of this variant is uncertain due to the absence of conclusive functional and genetic evidence.

Women's Health and Genetics/Laboratory Corporation of America, LabCorp
Classification: Uncertain significance. Last evaluated: 2023-07-16. Review status: criteria provided, single submitter. Criteria: LabCorp Variant Classification Summary - May 2015. Collection method: clinical testing. Allele origin: germline.

Revvity Omics, Revvity
Classification: Uncertain significance. Last evaluated: 2022-12-09. Review status: criteria provided, single submitter. Criteria: ACMG Guidelines, 2015. Collection method: clinical testing. Allele origin: germline.

GeneDx
Classification: Uncertain significance. Last evaluated: 2022-03-14. Review status: criteria provided, single submitter. Criteria: GeneDx Variant Classification Process June 2021. Collection method: clinical testing. Allele origin: germline. Affected: yes.
Comment: Not observed at significant frequency in large population cohorts (gnomAD); Missense variant in a gene in which most reported pathogenic variants are truncating/loss-of-function; Has not been previously published as pathogenic or benign to our knowledge; This variant is associated with the following publications: (PMID: 23975875)

Ambry Genetics
Classification: Uncertain significance for Cardiovascular phenotype. Last evaluated: 2020-02-26. Review status: criteria provided, single submitter. Criteria: Ambry Variant Classification Scheme 2023. Collection method: clinical testing. Allele origin: germline.
Comment: The p.H5847Q variant (also known as c.17541T>A), located in coding exon 69 of the TTN gene, results from a T to A substitution at nucleotide position 17541. The histidine at codon 5847 is replaced by glutamine, an amino acid with highly similar properties. This amino acid position is well conserved in available vertebrate species. In addition, this alteration is predicted to be tolerated by in silico analysis. Since supporting evidence is limited at this time, the clinical significance of this alteration remains unclear.

Labcorp Genetics (formerly Invitae), Labcorp
Classification: Uncertain significance for Dilated cardiomyopathy 1G; Autosomal recessive limb-girdle muscular dystrophy type 2J. Last evaluated: 2017-11-22. Review status: criteria provided, single submitter. Criteria: Invitae Variant Classification Sherloc (09022015). Collection method: clinical testing. Allele origin: germline.